The following is an entry in ClinVar:

NM_006306.4(SMC1A):c.2767C>T (p.Arg923Cys)

Gene: SMC1A (structural maintenance of chromosomes 1A; minus strand). Cytogenetic location: Xp11.22.
Variant type: single nucleotide variant.
Coding change: c.2767C>T on transcript NM_006306.4 (MANE Select); coding-DNA position 2767, C replaced by T.
Protein change: p.Arg923Cys; replaces arginine 923 with cysteine.
Molecular consequence: missense variant.
Genome position (GRCh38, 1-based): chrX:53,396,322, G>A on the plus strand (C>T on the coding strand, the complement: SMC1A is on the minus strand). VCF-style: chrX-53396322-G-A. GRCh37 (hg19) VCF-style: chrX-53423242-G-A.
Other names: c.2701C>T, p.Arg901Cys (NM_001281463.1); c.2767C>T (NM_006306.2); short protein forms R901C, R923C.
Identifiers: ClinVar variation 3066389 (VCV003066389.2), dbSNP rs2520891400, ClinGen allele CA413248154.

ClinVar aggregate classification (germline): Uncertain significance. Review status: criteria provided, multiple submitters, no conflicts (2 of 4 stars). 2 submissions from 2 submitters: Uncertain significance (2). Last evaluated 2024-01-02.

Conditions:
Congenital muscular hypertrophy-cerebral syndrome (CDLS2). Also called: SMC1A-Related Cornelia de Lange Syndrome; Cornelia de Lange syndrome 2. Identifiers: Orphanet 199, MedGen C1802395, MONDO:0010370, OMIM 300590.
Inborn genetic diseases. Identifiers: MedGen C0950123, MeSH D030342.

Submissions (2):

Ambry Genetics
Classification: Uncertain significance for Inborn genetic diseases. Last evaluated: 2024-01-02. Review status: criteria provided, single submitter. Criteria: Ambry Variant Classification Scheme 2023. Collection method: clinical testing. Allele origin: germline.

MVZ Medizinische Genetik Mainz
Classification: Uncertain significance for Congenital muscular hypertrophy-cerebral syndrome. Last evaluated: 2022-05-18. Review status: criteria provided, single submitter. Criteria: UK Practice Guidelines For Variant Classification V4 01 2020. Collection method: clinical testing. Allele origin: germline. Inheritance: X-linked dominant inheritance. Affected: yes. Observed: 1 variant allele.
Comment: ACMG Criteria: PM2_SUP,PP2,PP3